The following is an entry in ClinVar:

ClinVar aggregate classification (germline): Uncertain significance (1 of 4 stars; one submission).

Allele frequency attached by ClinVar (database versions not stated): gnomAD exomes below 0.00001.

Submission:

Labcorp Genetics (formerly Invitae), Labcorp
Classification: Uncertain significance. Last evaluated: 2022-02-20. Review status: criteria provided, single submitter. Criteria: Invitae Variant Classification Sherloc (09022015). Collection method: clinical testing. Allele origin: germline.
Comment: This sequence change replaces glycine, which is neutral and non-polar, with valine, which is neutral and non-polar, at codon 199 of the NACC1 protein (p.Gly199Val). This variant is not present in population databases (gnomAD no frequency). This variant has not been reported in the literature in individuals affected with NACC1-related conditions. Algorithms developed to predict the effect of missense changes on protein structure and function are either unavailable or do not agree on the potential impact of this missense change (SIFT: "Deleterious"; PolyPhen-2: "Benign"; Align-GVGD: "Class C0"). In summary, the available evidence is currently insufficient to determine the role of this variant in disease. Therefore, it has been classified as a Variant of Uncertain Significance.

NM_052876.4(NACC1):c.596G>T (p.Gly199Val)

Gene: NACC1 (nucleus accumbens associated 1; plus strand). Cytogenetic location: 19p13.13.
Variant type: single nucleotide variant.
Coding change: c.596G>T on transcript NM_052876.4 (MANE Select); coding-DNA position 596, G replaced by T.
Protein change: p.Gly199Val; replaces glycine 199 with valine.
Molecular consequence: missense variant.
Genome position (GRCh38, 1-based): chr19:13,135,803, G>T. VCF-style: chr19-13135803-G-T. GRCh37 (hg19) VCF-style: chr19-13246617-G-T.
Other names: short protein forms G199V.
Identifiers: ClinVar variation 2099384 (VCV002099384.4), dbSNP rs981900634, ClinGen allele CA305553066.